The following is an entry in ClinVar:

ClinVar aggregate classification (germline): Uncertain significance (1 of 4 stars; one submission).

Submission:

Labcorp Genetics (formerly Invitae), Labcorp
Classification: Uncertain significance. Last evaluated: 2024-02-01. Review status: criteria provided, single submitter. Criteria: Invitae Variant Classification Sherloc (09022015). Collection method: clinical testing. Allele origin: germline.
Comment: This sequence change replaces alanine, which is neutral and non-polar, with serine, which is neutral and polar, at codon 140 of the PACS2 protein (p.Ala140Ser). This variant is not present in population databases (gnomAD no frequency). This variant has not been reported in the literature in individuals affected with PACS2-related conditions. An algorithm developed to predict the effect of missense changes on protein structure and function (PolyPhen-2) suggests that this variant is likely to be tolerated. In summary, the available evidence is currently insufficient to determine the role of this variant in disease. Therefore, it has been classified as a Variant of Uncertain Significance.

NM_001100913.3(PACS2):c.418G>T (p.Ala140Ser)

Gene: PACS2 (phosphofurin acidic cluster sorting protein 2; plus strand). Cytogenetic location: 14q32.33.
Variant type: single nucleotide variant.
Coding change: c.418G>T on transcript NM_001100913.3 (MANE Select); coding-DNA position 418, G replaced by T.
Protein change: p.Ala140Ser; replaces alanine 140 with serine.
Molecular consequence: missense variant.
Genome position (GRCh38, 1-based): chr14:105,355,172, G>T. VCF-style: chr14-105355172-G-T. GRCh37 (hg19) VCF-style: chr14-105821509-G-T.
Other names: c.217G>T, p.Ala73Ser (NM_001243127.3); c.418G>T, p.Ala140Ser (NM_015197.4); short protein forms A140S, A73S.
Identifiers: ClinVar variation 3011533 (VCV003011533.3), dbSNP rs1463502972, ClinGen allele CA391200721.